The following is an entry in ClinVar:

NM_020461.4(TUBGCP6):c.3622A>G (p.Thr1208Ala)

Gene: TUBGCP6 (tubulin gamma complex component 6; minus strand). Cytogenetic location: 22q13.33.
Variant type: single nucleotide variant.
Coding change: c.3622A>G on transcript NM_020461.4 (MANE Select); coding-DNA position 3622, A replaced by G.
Protein change: p.Thr1208Ala; replaces threonine 1208 with alanine.
Molecular consequence: missense variant.
Genome position (GRCh38, 1-based): chr22:50,220,737, T>C on the plus strand (A>G on the coding strand, the complement: TUBGCP6 is on the minus strand). VCF-style: chr22-50220737-T-C. GRCh37 (hg19) VCF-style: chr22-50659166-T-C.
Other names: c.3622A>G (NM_020461.3); short protein forms T1208A.
Identifiers: ClinVar variation 1347463 (VCV001347463.7), dbSNP rs757416278, ClinGen allele CA325512045.

ClinVar aggregate classification (germline): Uncertain significance. Review status: criteria provided, multiple submitters, no conflicts (2 of 4 stars). 2 submissions from 2 submitters: Uncertain significance (2). Last evaluated 2026-01-14.

Conditions:
Inborn genetic diseases. Identifiers: MedGen C0950123, MeSH D030342.

Allele frequency attached by ClinVar (database versions not stated): gnomAD 0.00001; gnomAD exomes 0.00001.

Submissions (2):

Labcorp Genetics (formerly Invitae), Labcorp
Classification: Uncertain significance. Last evaluated: 2026-01-14. Review status: criteria provided, single submitter. Criteria: Invitae Variant Classification Sherloc (09022015). Collection method: clinical testing. Allele origin: germline.
Comment: This sequence change replaces threonine, which is neutral and polar, with alanine, which is neutral and non-polar, at codon 1208 of the TUBGCP6 protein (p.Thr1208Ala). This variant is not present in population databases (gnomAD no frequency). This variant has not been reported in the literature in individuals affected with TUBGCP6-related conditions. ClinVar contains an entry for this variant (Variation ID: 1347463). An algorithm developed to predict the effect of missense changes on protein structure and function outputs the following: PolyPhen-2: "Benign". The alanine amino acid residue is found in multiple mammalian species, which suggests that this missense change does not adversely affect protein function. In summary, the available evidence is currently insufficient to determine the role of this variant in disease. Therefore, it has been classified as a Variant of Uncertain Significance.

Ambry Genetics
Classification: Uncertain significance for Inborn genetic diseases. Last evaluated: 2025-11-24. Review status: criteria provided, single submitter. Criteria: Ambry Variant Classification Scheme 2023. Collection method: clinical testing. Allele origin: germline.